The following is an entry in ClinVar:

NM_032119.4(ADGRV1):c.1464G>A (p.Leu488=)

Gene: ADGRV1 (adhesion G protein-coupled receptor V1; plus strand). Cytogenetic location: 5q14.3.
Variant type: single nucleotide variant.
Coding change: c.1464G>A on transcript NM_032119.4 (MANE Select); coding-DNA position 1464, G replaced by A.
Protein change: p.Leu488=; no amino-acid change (leucine 488 retained).
Molecular consequence: synonymous variant. On other transcripts: non-coding transcript variant (1).
Genome position (GRCh38, 1-based): chr5:90,628,787, G>A. VCF-style: chr5-90628787-G-A. GRCh37 (hg19) VCF-style: chr5-89924604-G-A.
Identifiers: ClinVar variation 46272 (VCV000046272.8), dbSNP rs397517422, ClinGen allele CA138034.
Genomic context (GRCh38, chr5:90,628,787, plus strand): 5'-TCTTACTGTGGTTGATGATGATCTTCCAGAAGAGGCAGAAGCTTATCTACTTCAAATTCT[G>A]CCTCATACAATACGAGGAGGTGCAGAAGTGAGCGAGCCAGCGGAGGTATAACCCTTGTTA-3'
Protein context (NP_115495.3, residues 478-498): EEAEAYLLQI[Leu488=]PHTIRGGAEV

ClinVar aggregate classification (germline): Likely benign. Review status: criteria provided, multiple submitters, no conflicts (2 of 4 stars). 3 submissions from 3 submitters: Likely benign (3). Last evaluated 2025-12-26.

Allele frequency attached by ClinVar (database versions not stated): ExAC 0.00001; gnomAD 0.00001; gnomAD exomes 0.00001 and 0.00002; 1000 Genomes Project 30x 0.00016; 1000 Genomes Project 0.00020.
gnomAD v4.1: 10 of 1,613,970 alleles (0.00062%); highest among the groups gnomAD compares: South Asian, 0.0066%; no homozygotes.

Submissions (3):

Labcorp Genetics (formerly Invitae), Labcorp
Classification: Likely benign. Last evaluated: 2025-12-26. Review status: criteria provided, single submitter. Criteria: Invitae Variant Classification Sherloc (09022015). Collection method: clinical testing. Allele origin: germline.

Blueprint Genetics
Classification: Likely benign. Last evaluated: 2024-08-20. Review status: criteria provided, single submitter. Criteria: ACMG Guidelines, 2015. Collection method: clinical testing. Allele origin: germline.

Laboratory for Molecular Medicine, Mass General Brigham Personalized Medicine
Classification: Likely benign. Last evaluated: 2012-06-26. Review status: criteria provided, single submitter. Criteria: LMM Criteria. Collection method: clinical testing. Allele origin: germline. Observed: 1 variant allele.
Comment: Leu488Leu in exon 8 of GPR98: This variant is not expected to have clinical sign ificance because it does not alter an amino acid residue, is not located within the splice consensus sequence.